The following is an entry in ClinVar:

ClinVar aggregate classification (germline): Uncertain significance (1 of 4 stars; one submission).

Conditions:
Familial infantile myasthenia (CMS6). Also called: Congenital myasthenic syndrome type 6; MYASTHENIC SYNDROME, CONGENITAL, 6, PRESYNAPTIC; MYASTHENIC SYNDROME, PRESYNAPTIC, CONGENITAL, ASSOCIATED WITH EPISODIC APNEA. Identifiers: Orphanet 590, MedGen C0393929, MONDO:0009689, OMIM 254210.

Submission:

Labcorp Genetics (formerly Invitae), Labcorp
Classification: Uncertain significance for Familial infantile myasthenia. Last evaluated: 2022-06-27. Review status: criteria provided, single submitter. Criteria: Invitae Variant Classification Sherloc (09022015). Collection method: clinical testing. Allele origin: germline.
Comment: This sequence change replaces glycine, which is neutral and non-polar, with tryptophan, which is neutral and slightly polar, at codon 357 of the CHAT protein (p.Gly357Trp). This variant is not present in population databases (gnomAD no frequency). This variant has not been reported in the literature in individuals affected with CHAT-related conditions. Algorithms developed to predict the effect of missense changes on protein structure and function (SIFT, PolyPhen-2, Align-GVGD) all suggest that this variant is likely to be disruptive. In summary, the available evidence is currently insufficient to determine the role of this variant in disease. Therefore, it has been classified as a Variant of Uncertain Significance.

NM_020549.5(CHAT):c.1069G>T (p.Gly357Trp)

Gene: CHAT (choline O-acetyltransferase; plus strand). Cytogenetic location: 10q11.23.
Variant type: single nucleotide variant.
Coding change: c.1069G>T on transcript NM_020549.5 (MANE Select); coding-DNA position 1069, G replaced by T.
Protein change: p.Gly357Trp; replaces glycine 357 with tryptophan.
Molecular consequence: missense variant.
Genome position (GRCh38, 1-based): chr10:49,627,743, G>T. VCF-style: chr10-49627743-G-T. GRCh37 (hg19) VCF-style: chr10-50835789-G-T.
Other names: c.715G>T, p.Gly239Trp (NM_020985.4, NM_020986.4, NM_001142929.2 and 2 more transcripts); c.823G>T, p.Gly275Trp (NM_001142933.2); short protein forms G239W, G275W, G357W.
Identifiers: ClinVar variation 1470545 (VCV001470545.5), dbSNP rs61731735, ClinGen allele CA376731428.